The following is an entry in ClinVar:

ClinVar aggregate classification (germline): Uncertain significance (1 of 4 stars; one submission).

Conditions:
Hereditary cancer-predisposing syndrome. Also called: Neoplastic Syndromes, Hereditary; Tumor predisposition; Hereditary neoplastic syndrome; Hereditary Cancer Syndrome. Identifiers: Orphanet 140162, MedGen C0027672, MeSH D009386, MONDO:0015356.

Submission:

Ambry Genetics
Classification: Uncertain significance for Hereditary cancer-predisposing syndrome. Last evaluated: 2024-03-15. Review status: criteria provided, single submitter. Criteria: Ambry Variant Classification Scheme 2023. Collection method: clinical testing. Allele origin: germline.
Comment: The p.L904F variant (also known as c.2712G>C), located in coding exon 17 of the ATM gene, results from a G to C substitution at nucleotide position 2712. The leucine at codon 904 is replaced by phenylalanine, an amino acid with highly similar properties. This amino acid position is highly conserved in available vertebrate species. In addition, this alteration is predicted to be deleterious by in silico analysis. Based on the available evidence, the clinical significance of this alteration remains unclear.

NM_000051.4(ATM):c.2712G>C (p.Leu904Phe)

Gene: ATM (ATM serine/threonine kinase; plus strand). Cytogenetic location: 11q22.3.
Variant type: single nucleotide variant.
Coding change: c.2712G>C on transcript NM_000051.4 (MANE Select); coding-DNA position 2712, G replaced by C.
Protein change: p.Leu904Phe; replaces leucine 904 with phenylalanine.
Molecular consequence: missense variant.
Genome position (GRCh38, 1-based): chr11:108,268,483, G>C. VCF-style: chr11-108268483-G-C. GRCh37 (hg19) VCF-style: chr11-108139210-G-C.
Other names: c.2712G>C, p.Leu904Phe (NM_001351834.2); short protein forms L904F.
Identifiers: ClinVar variation 3324833 (VCV003324833.1).
Genomic context (GRCh38, chr11:108,268,483, plus strand): 5'-TTTAGCTGAAGAATATCTGTCAAAGCAAGATCTACTTTTCTTAGACATGCTCAAGTTCTT[G>C]TGTTTGTGTGTAACTACTGCTCAGACCAATACTGTGTCCTTTAGGGCAGCTGATATTCGG-3'
Protein context (NP_000042.3, residues 894-914): DLLFLDMLKF[Leu904Phe]CLCVTTAQTN